The following is an entry in ClinVar:

NM_001111.5(ADAR):c.762C>G (p.Asn254Lys)

Gene: ADAR (adenosine deaminase RNA specific; minus strand). Cytogenetic location: 1q21.3.
Variant type: single nucleotide variant.
Coding change: c.762C>G on transcript NM_001111.5 (MANE Select); coding-DNA position 762, C replaced by G.
Protein change: p.Asn254Lys; replaces asparagine 254 with lysine.
Molecular consequence: missense variant. On other transcripts: 5 prime UTR variant (6).
Genome position (GRCh38, 1-based): chr1:154,601,880, G>C on the plus strand (C>G on the coding strand, the complement: ADAR is on the minus strand). VCF-style: chr1-154601880-G-C. GRCh37 (hg19) VCF-style: chr1-154574356-G-C.
Other names: c.-124C>G (NM_001025107.3, NM_001193495.2, NM_001365046.1 and 3 more transcripts); c.789C>G, p.Asn263Lys (NM_001365045.1); c.762C>G, p.Asn254Lys (NM_015840.4, NM_015841.4); short protein forms N254K, N263K.
Identifiers: ClinVar variation 1355330 (VCV001355330.8), dbSNP rs534876356, ClinGen allele CA1131642.

ClinVar aggregate classification (germline): Uncertain significance (1 of 4 stars; one submission).

Conditions:
Symmetrical dyschromatosis of extremities (DSH). Also called: Dyschromatosis symmetrica hereditaria; DYSCHROMATOSIS SYMMETRICA HEREDITARIA 1; RETICULATE ACROPIGMENTATION OF DOHI; SYMMETRIC DYSCHROMATOSIS OF THE EXTREMITIES. Identifiers: Orphanet 41, MedGen C0406775, MONDO:0007483, OMIM 127400.
Aicardi-Goutieres syndrome 6 (AGS6). Identifiers: Orphanet 51, MedGen C3539013, MONDO:0014007, OMIM 615010.

Allele frequency attached by ClinVar (database versions not stated): gnomAD exomes below 0.00001; ExAC 0.00001; gnomAD 0.00002 and 0.00003; TOPMed 0.00003; 1000 Genomes Project 0.00020; 1000 Genomes Project 30x 0.00031.
gnomAD v4.1: 5 of 1,614,210 alleles (0.00031%); highest among the groups gnomAD compares: African/African-American, 0.0067%; no homozygotes.

Submission:

Labcorp Genetics (formerly Invitae), Labcorp
Classification: Uncertain significance for Aicardi-Goutieres syndrome 6; Symmetrical dyschromatosis of extremities. Last evaluated: 2025-01-13. Review status: criteria provided, single submitter. Criteria: Invitae Variant Classification Sherloc (09022015). Collection method: clinical testing. Allele origin: germline.
Comment: This sequence change replaces asparagine, which is neutral and polar, with lysine, which is basic and polar, at codon 254 of the ADAR protein (p.Asn254Lys). This variant is present in population databases (rs534876356, gnomAD 0.008%). This variant has not been reported in the literature in individuals affected with ADAR-related conditions. ClinVar contains an entry for this variant (Variation ID: 1355330). An algorithm developed to predict the effect of missense changes on protein structure and function outputs the following: PolyPhen-2: "Not Available". The lysine amino acid residue is found in multiple mammalian species, which suggests that this missense change does not adversely affect protein function. In summary, the available evidence is currently insufficient to determine the role of this variant in disease. Therefore, it has been classified as a Variant of Uncertain Significance.